The following is an entry in ClinVar:

NM_015100.4(POGZ):c.240C>A (p.Asp80Glu)

Gene: POGZ (pogo transposable element derived with ZNF domain; minus strand). Cytogenetic location: 1q21.3.
Variant type: single nucleotide variant.
Coding change: c.240C>A on transcript NM_015100.4 (MANE Select); coding-DNA position 240, C replaced by A.
Protein change: p.Asp80Glu; replaces aspartic acid 80 with glutamic acid.
Molecular consequence: missense variant. On other transcripts: intron variant (2).
Genome position (GRCh38, 1-based): chr1:151,440,971, G>T on the plus strand (C>A on the coding strand, the complement: POGZ is on the minus strand). VCF-style: chr1-151440971-G-T. GRCh37 (hg19) VCF-style: chr1-151413447-G-T.
Other names: c.240C>A, p.Asp80Glu (NM_001194937.2, NM_145796.4); c.261C>A, p.Asp87Glu (NM_001410860.1); c.124+1110C>A (NM_001194938.2, NM_207171.2); short protein forms D80E, D87E.
Identifiers: ClinVar variation 3339884 (VCV003339884.1).

ClinVar aggregate classification (germline): Uncertain significance (1 of 4 stars; one submission).

Submission:

Women's Health and Genetics/Laboratory Corporation of America, LabCorp
Classification: Uncertain significance. Last evaluated: 2024-06-28. Review status: criteria provided, single submitter. Criteria: LabCorp Variant Classification Summary - May 2015. Collection method: clinical testing. Allele origin: germline.
Comment: Variant summary: POGZ c.240C>A (p.Asp80Glu) results in a conservative amino acid change in the encoded protein sequence. Three of five in-silico tools predict a damaging effect of the variant on protein function. The variant allele was found at a frequency of 1.2e-05 in 251302 control chromosomes. The available data on variant occurrences in the general population are insufficient to allow any conclusion about variant significance. To our knowledge, no occurrence of c.240C>A in individuals affected with White-Sutton Syndrome and no experimental evidence demonstrating its impact on protein function have been reported. No submitters have cited clinical-significance assessments for this variant to ClinVar. Based on the evidence outlined above, the variant was classified as uncertain significance.